The following is an entry in ClinVar:

ClinVar aggregate classification (germline): Benign/Likely benign. Review status: criteria provided, multiple submitters, no conflicts (2 of 4 stars). 9 submissions from 9 submitters: Benign (6); Likely benign (1). 2 of the submissions do not count toward it. Last evaluated 2026-01-30.

Conditions:
Methylmalonic acidemia with homocystinuria, type cblX (MAHCX). Also called: INTELLECTUAL DEVELOPMENTAL DISORDER, X-LINKED 3. Identifiers: Orphanet 369962, MedGen C0796208, MONDO:0010657, OMIM 309541.

Allele frequency attached by ClinVar (database versions not stated): 1000 Genomes Project 30x 0.00208; TOPMed 0.00228; 1000 Genomes Project 0.00265; gnomAD 0.00272 and 0.00278; gnomAD exomes 0.00279 and 0.00398; ExAC 0.00308; ESP Exome Variant Server 0.00318.

Submissions (9):

Labcorp Genetics (formerly Invitae), Labcorp
Classification: Benign for Methylmalonic acidemia with homocystinuria, type cblX. Last evaluated: 2026-01-30. Review status: criteria provided, single submitter. Criteria: Invitae Variant Classification Sherloc (09022015). Collection method: clinical testing. Allele origin: germline.

ARUP Laboratories, Molecular Genetics and Genomics, ARUP Laboratories
Classification: Benign for Methylmalonic acidemia with homocystinuria, type cblX. Last evaluated: 2025-03-05. Review status: criteria provided, single submitter. Criteria: ARUP Molecular Germline Variant Investigation Process 2024. Collection method: clinical testing. Allele origin: germline.

Mayo Clinic Laboratories, Mayo Clinic
Classification: Benign. Last evaluated: 2025-01-02. Review status: criteria provided, single submitter. Criteria: ACMG Guidelines, 2015. Collection method: clinical testing. Allele origin: germline. Observed: 2 variant alleles.
Comment: BS1, BS2, BP4, BP7

Blueprint Genetics
Classification: Likely benign. Last evaluated: 2024-11-28. Review status: criteria provided, single submitter. Criteria: ACMG Guidelines, 2015. Collection method: clinical testing. Allele origin: germline.

GeneDx
Classification: Benign. Last evaluated: 2016-06-30. Review status: criteria provided, single submitter. Criteria: GeneDx Variant Classification (06012015). Collection method: clinical testing. Allele origin: germline. Affected: yes.
Comment: This variant is considered likely benign or benign based on one or more of the following criteria: it is a conservative change, it occurs at a poorly conserved position in the protein, it is predicted to be benign by multiple in silico algorithms, and/or has population frequency not consistent with disease.

Genetic Services Laboratory, University of Chicago
Classification: Benign. Last evaluated: 2016-03-03. Review status: criteria provided, single submitter. Criteria: ACMG Guidelines, 2015. Collection method: clinical testing. Allele origin: germline. Affected: no.

Breakthrough Genomics
Classification: Benign. Review status: criteria provided, single submitter. Criteria: ACMG Guidelines, 2015. Collection method: not provided. Allele origin: germline. Inheritance: X-linked inheritance. Affected: yes.

Clinical Genetics DNA and cytogenetics Diagnostics Lab, Erasmus MC, Erasmus Medical Center
Classification: Likely benign. Review status: no assertion criteria provided. Collection method: clinical testing. Allele origin: germline. Affected: yes. Study: VKGL Data-share Consensus. Not counted in ClinVar's aggregate classification.

Genome Diagnostics Laboratory, University Medical Center Utrecht
Classification: Likely benign. Review status: no assertion criteria provided. Collection method: clinical testing. Allele origin: germline. Affected: yes. Study: VKGL Data-share Consensus. Not counted in ClinVar's aggregate classification.

NM_005334.3(HCFC1):c.4725C>T (p.Pro1575=)

Gene: HCFC1 (host cell factor C1; minus strand). Cytogenetic location: Xq28.
Variant type: single nucleotide variant.
Coding change: c.4725C>T on transcript NM_005334.3 (MANE Select); coding-DNA position 4725, C replaced by T.
Protein change: p.Pro1575=; no amino-acid change (proline 1575 retained).
Molecular consequence: synonymous variant.
Genome position (GRCh38, 1-based): chrX:153,952,731, G>A on the plus strand (C>T on the coding strand, the complement: HCFC1 is on the minus strand). VCF-style: chrX-153952731-G-A. GRCh37 (hg19) VCF-style: chrX-153218182-G-A.
Other names: p.Pro1575=.
Identifiers: ClinVar variation 385436 (VCV000385436.21), dbSNP rs192386572, ClinGen allele CA10556916.